The following is an entry in ClinVar:

NM_022436.3(ABCG5):c.364C>T (p.Arg122Trp)

Gene: ABCG5 (ATP binding cassette subfamily G member 5; minus strand). Cytogenetic location: 2p21.
Variant type: single nucleotide variant.
Coding change: c.364C>T on transcript NM_022436.3 (MANE Select); coding-DNA position 364, C replaced by T.
Protein change: p.Arg122Trp; replaces arginine 122 with tryptophan.
Molecular consequence: missense variant.
Genome position (GRCh38, 1-based): chr2:43,831,985, G>A on the plus strand (C>T on the coding strand, the complement: ABCG5 is on the minus strand). VCF-style: chr2-43831985-G-A. GRCh37 (hg19) VCF-style: chr2-44059124-G-A.
Other names: short protein forms R122W.
Identifiers: ClinVar variation 3414402 (VCV003414402.3).

ClinVar aggregate classification (germline): Uncertain significance. Review status: criteria provided, multiple submitters, no conflicts (2 of 4 stars). 3 submissions from 3 submitters: Uncertain significance (3). Last evaluated 2026-06-17.

Conditions:
ABCG5-related disorder. Also called: ABCG5-related condition.
Cardiovascular phenotype. Identifiers: MedGen CN230736.

gnomAD v4.1: 21 of 1,553,816 alleles (0.0014%); highest among the groups gnomAD compares: African/African-American, 0.0027%; no homozygotes.

Submissions (3):

PreventionGenetics, part of Exact Sciences
Classification: Uncertain significance for ABCG5-related condition. Last evaluated: 2026-06-17. Review status: criteria provided, single submitter. Criteria: ACMG Guidelines, 2015. Collection method: clinical testing. Allele origin: germline.
Comment: The ABCG5 c.364C>T variant is predicted to result in the amino acid substitution p.Arg122Trp. To our knowledge, this variant has not been reported in the literature. This variant is reported in 0.0057% of alleles in individuals of African descent in gnomAD. At this time, the clinical significance of this variant is uncertain due to the absence of conclusive functional and genetic evidence.

Women's Health and Genetics/Laboratory Corporation of America, LabCorp
Classification: Uncertain significance. Last evaluated: 2025-05-28. Review status: criteria provided, single submitter. Criteria: LabCorp Variant Classification Summary - May 2015. Collection method: clinical testing. Allele origin: germline.
Comment: Variant summary: ABCG5 c.364C>T (p.Arg122Trp) results in a non-conservative amino acid change in the encoded protein sequence. Algorithms developed to predict the effect of missense changes on protein structure and function are either unavailable or do not agree on the potential impact of this missense change. The variant allele was found at a frequency of 6.3e-06 in 157824 control chromosomes. The available data on variant occurrences in the general population are insufficient to allow any conclusion about variant significance. To our knowledge, no occurrence of c.364C>T in individuals affected with Early Onset Coronary Artery Disease and no experimental evidence demonstrating its impact on protein function have been reported. ClinVar contains an entry for this variant (Variation ID: 3414402). Based on the evidence outlined above, the variant was classified as uncertain significance.

Ambry Genetics
Classification: Uncertain significance for Cardiovascular phenotype. Last evaluated: 2024-10-19. Review status: criteria provided, single submitter. Criteria: Ambry Variant Classification Scheme 2023. Collection method: clinical testing. Allele origin: germline.
Comment: The p.R122W variant (also known as c.364C>T), located in coding exon 3 of the ABCG5 gene, results from a C to T substitution at nucleotide position 364. The arginine at codon 122 is replaced by tryptophan, an amino acid with dissimilar properties. This amino acid position is conserved. In addition, the in silico prediction for this alteration is inconclusive. Based on the available evidence, the clinical significance of this variant remains unclear.